The following is an entry in ClinVar:

ClinVar aggregate classification (germline): Likely benign (1 of 4 stars; one submission).

Allele frequency attached by ClinVar (database versions not stated): 1000 Genomes Project 0.00759; 1000 Genomes Project 30x 0.00843; TOPMed 0.00970.
gnomAD v4.1: 1,291 of 152,322 alleles (0.85%); highest among the groups gnomAD compares: African/African-American, 3%; 18 homozygotes.

Submission:

GeneDx
Classification: Likely benign. Last evaluated: 2018-06-16. Review status: criteria provided, single submitter. Criteria: GeneDx Variant Classification (06012015). Collection method: clinical testing. Allele origin: germline. Affected: yes.
Comment: This variant is considered likely benign or benign based on one or more of the following criteria: it is a conservative change, it occurs at a poorly conserved position in the protein, it is predicted to be benign by multiple in silico algorithms, and/or has population frequency not consistent with disease.

NM_004544.4(NDUFA10):c.891-215C>A

Gene: NDUFA10 (NADH:ubiquinone oxidoreductase subunit A10; minus strand). Cytogenetic location: 2q37.3.
Variant type: single nucleotide variant.
Coding change: c.891-215C>A on transcript NM_004544.4 (MANE Select); 215 bases into the intron before coding-DNA position 891, C replaced by A.
Molecular consequence: intron variant.
Genome position (GRCh38, 1-based): chr2:239,990,397, G>T on the plus strand (C>A on the coding strand, the complement: NDUFA10 is on the minus strand). VCF-style: chr2-239990397-G-T. GRCh37 (hg19) VCF-style: chr2-240929814-G-T.
Other names: c.890+14813C>A (NM_001322020.2); c.891-215C>A (NM_001322019.2).
Identifiers: ClinVar variation 673741 (VCV000673741.1), dbSNP rs111871664, ClinGen allele CA68046545.